The following is an entry in ClinVar:

NM_138713.4(NFAT5):c.3891G>A (p.Met1297Ile)

Gene: NFAT5 (nuclear factor of activated T cells 5; plus strand). Cytogenetic location: 16q22.1.
Variant type: single nucleotide variant.
Coding change: c.3891G>A on transcript NM_138713.4 (MANE Select); coding-DNA position 3891, G replaced by A.
Protein change: p.Met1297Ile; replaces methionine 1297 with isoleucine.
Molecular consequence: missense variant.
Genome position (GRCh38, 1-based): chr16:69,693,716, G>A. VCF-style: chr16-69693716-G-A. GRCh37 (hg19) VCF-style: chr16-69727619-G-A.
Other names: c.3888G>A, p.Met1296Ile (NM_001113178.3); c.3216G>A, p.Met1072Ile (NM_001367709.1); c.3837G>A, p.Met1279Ile (NM_006599.4); c.3609G>A, p.Met1203Ile (NM_138714.4, NM_173214.3, NM_173215.3); short protein forms M1279I, M1297I, M1296I, M1072I, M1203I.
Identifiers: ClinVar variation 3405080 (VCV003405080.3).

ClinVar aggregate classification (germline): Uncertain significance. Review status: criteria provided, multiple submitters, no conflicts (2 of 4 stars). 2 submissions from 2 submitters: Uncertain significance (2). Last evaluated 2024-12-04.

Conditions:
Immunodeficiency. Identifiers: MedGen C0021051, MONDO:0021094, HP:0002721.

Submissions (2):

Ambry Genetics
Classification: Uncertain significance. Last evaluated: 2024-12-04. Review status: criteria provided, single submitter. Criteria: Ambry Variant Classification Scheme 2023. Collection method: clinical testing. Allele origin: germline.

Labcorp Genetics (formerly Invitae), Labcorp
Classification: Uncertain significance for Immunodeficiency. Last evaluated: 2024-05-25. Review status: criteria provided, single submitter. Criteria: Invitae Variant Classification Sherloc (09022015). Collection method: clinical testing. Allele origin: germline.
Comment: This sequence change replaces methionine, which is neutral and non-polar, with isoleucine, which is neutral and non-polar, at codon 1203 of the NFAT5 protein (p.Met1203Ile). This variant is not present in population databases (gnomAD no frequency). This variant has not been reported in the literature in individuals affected with NFAT5-related conditions. An algorithm developed to predict the effect of missense changes on protein structure and function (PolyPhen-2) suggests that this variant is likely to be tolerated. In summary, the available evidence is currently insufficient to determine the role of this variant in disease. Therefore, it has been classified as a Variant of Uncertain Significance.